The following is an entry in ClinVar:

ClinVar aggregate classification (germline): Uncertain significance. Review status: criteria provided, multiple submitters, no conflicts (2 of 4 stars). 2 submissions from 2 submitters: Uncertain significance (2). Last evaluated 2025-10-01.

Conditions:
DCHS1-related disorder. Also called: DCHS1-related condition.

Allele frequency attached by ClinVar (database versions not stated): gnomAD 0.00001; TOPMed 0.00002.

Submissions (2):

PreventionGenetics, part of Exact Sciences
Classification: Uncertain significance for DCHS1-related condition. Last evaluated: 2025-10-01. Review status: criteria provided, single submitter. Criteria: ACMG Guidelines, 2015. Collection method: clinical testing. Allele origin: germline.
Comment: The DCHS1 c.8285G>A variant is predicted to result in the amino acid substitution p.Ser2762Asn. To our knowledge, this variant has not been reported in the literature. This variant is reported in 0.0% of alleles in individuals of African descent in gnomAD. At this time, the clinical significance of this variant is uncertain due to the absence of conclusive functional and genetic evidence.

Labcorp Genetics (formerly Invitae), Labcorp
Classification: Uncertain significance. Last evaluated: 2024-07-02. Review status: criteria provided, single submitter. Criteria: Invitae Variant Classification Sherloc (09022015). Collection method: clinical testing. Allele origin: germline.
Comment: This sequence change replaces serine, which is neutral and polar, with asparagine, which is neutral and polar, at codon 2762 of the DCHS1 protein (p.Ser2762Asn). This variant is not present in population databases (gnomAD no frequency). This variant has not been reported in the literature in individuals affected with DCHS1-related conditions. ClinVar contains an entry for this variant (Variation ID: 2629333). Advanced modeling of protein sequence and biophysical properties (such as structural, functional, and spatial information, amino acid conservation, physicochemical variation, residue mobility, and thermodynamic stability) performed at Invitae indicates that this missense variant is not expected to disrupt DCHS1 protein function with a negative predictive value of 80%. In summary, the available evidence is currently insufficient to determine the role of this variant in disease. Therefore, it has been classified as a Variant of Uncertain Significance.

NM_003737.4(DCHS1):c.8285G>A (p.Ser2762Asn)

Gene: DCHS1 (dachsous cadherin-related 1; minus strand). Cytogenetic location: 11p15.4.
Variant type: single nucleotide variant.
Coding change: c.8285G>A on transcript NM_003737.4 (MANE Select); coding-DNA position 8285, G replaced by A.
Protein change: p.Ser2762Asn; replaces serine 2762 with asparagine.
Molecular consequence: missense variant.
Genome position (GRCh38, 1-based): chr11:6,623,391, C>T on the plus strand (G>A on the coding strand, the complement: DCHS1 is on the minus strand). VCF-style: chr11-6623391-C-T. GRCh37 (hg19) VCF-style: chr11-6644622-C-T.
Other names: short protein forms S2762N.
Identifiers: ClinVar variation 2629333 (VCV002629333.4), dbSNP rs868350000, ClinGen allele CA379481334.
Genomic context (GRCh38, chr11:6,623,391, plus strand): 5'-CGGAAGCTTTCTGTGTGCTCATAGTCAAAGGGCACTCGCGCACGCAACTCCCCTGTTGAG[C>T]TGTTCAGTGCAAATGCCTCACGGCCCTCAGGTCCTGGCCCAGCCTCCAACAGGCTGTAAC-3'
Protein context (NP_003728.1, residues 2752-2772): PEGREAFALN[Ser2762Asn]STGELRARVP